The following is an entry in ClinVar:

ClinVar aggregate classification (germline): Conflicting classifications of pathogenicity. Review status: criteria provided, conflicting classifications (1 of 4 stars). 6 submissions from 6 submitters: Uncertain significance (1); Benign (1); Likely benign (4). Last evaluated 2026-03-17.

Conditions:
Deficiency of butyryl-CoA dehydrogenase (ACADSD). Also called: SCAD Deficiency; SCADH DEFICIENCY; ACADS DEFICIENCY; Short-Chain Acyl-CoA Dehydrogenase Deficiency; SCAD DEFICIENCY, MILD; ACYL-CoA DEHYDROGENASE, SHORT-CHAIN, DEFICIENCY OF. Identifiers: Orphanet 26792, MedGen C0342783, MONDO:0008722, OMIM 201470. Disease mechanism: May be benign.

Allele frequency attached by ClinVar (database versions not stated): gnomAD 0.00016 and 0.00021; ESP Exome Variant Server 0.00023; TOPMed 0.00025; ExAC 0.00043; gnomAD exomes 0.00044; 1000 Genomes Project 30x 0.00094; 1000 Genomes Project 0.00100.

Submissions (6):

Women's Health and Genetics/Laboratory Corporation of America, LabCorp
Classification: Likely benign. Last evaluated: 2026-03-17. Review status: criteria provided, single submitter. Criteria: LabCorp Variant Classification Summary - May 2015. Collection method: clinical testing. Allele origin: germline.

Labcorp Genetics (formerly Invitae), Labcorp
Classification: Benign for Deficiency of butyryl-CoA dehydrogenase. Last evaluated: 2026-01-20. Review status: criteria provided, single submitter. Criteria: Invitae Variant Classification Sherloc (09022015). Collection method: clinical testing. Allele origin: germline.

Blueprint Genetics
Classification: Likely benign. Last evaluated: 2024-09-05. Review status: criteria provided, single submitter. Criteria: ACMG Guidelines, 2015. Collection method: clinical testing. Allele origin: germline.

Genome-Nilou Lab
Classification: Likely benign for Deficiency of butyryl-CoA dehydrogenase. Last evaluated: 2021-11-07. Review status: criteria provided, single submitter. Criteria: ACMG Guidelines, 2015. Collection method: clinical testing. Allele origin: germline. Affected: no.

Illumina Laboratory Services, Illumina
Classification: Uncertain significance for Deficiency of butyryl-CoA dehydrogenase. Last evaluated: 2018-01-13. Review status: criteria provided, single submitter. Criteria: ICSL Variant Classification Criteria 13 December 2019. Collection method: clinical testing. Allele origin: germline.

GeneDx
Classification: Likely benign. Last evaluated: 2015-12-17. Review status: criteria provided, single submitter. Criteria: GeneDx Variant Classification (06012015). Collection method: clinical testing. Allele origin: germline. Affected: yes.
Comment: This variant is considered likely benign or benign based on one or more of the following criteria: it is a conservative change, it occurs at a poorly conserved position in the protein, it is predicted to be benign by multiple in silico algorithms, and/or has population frequency not consistent with disease.

NM_000017.4(ACADS):c.465C>T (p.Ser155=)

Gene: ACADS (acyl-CoA dehydrogenase short chain; plus strand). Cytogenetic location: 12q24.31.
Variant type: single nucleotide variant.
Coding change: c.465C>T on transcript NM_000017.4 (MANE Select); coding-DNA position 465, C replaced by T.
Protein change: p.Ser155=; no amino-acid change (serine 155 retained).
Molecular consequence: synonymous variant.
Genome position (GRCh38, 1-based): chr12:120,737,460, C>T. VCF-style: chr12-120737460-C-T. GRCh37 (hg19) VCF-style: chr12-121175263-C-T.
Other names: c.465C>T, p.Ser155= (NM_001302554.2).
Identifiers: ClinVar variation 307436 (VCV000307436.16), dbSNP rs141492002, ClinGen allele CA6830888.